The following is an entry in ClinVar:

ClinVar aggregate classification (germline): Pathogenic. Review status: criteria provided, multiple submitters, no conflicts (2 of 4 stars). 2 submissions from 2 submitters: Pathogenic (2). Last evaluated 2023-06-28.

Conditions:
Familial cancer of breast. Also called: hereditary breast carcinoma; BREAST CANCER, FAMILIAL; Hereditary breast cancer. Identifiers: Orphanet 227535, MedGen C0346153, MONDO:0016419, OMIM 114480. Disease mechanism: loss of function.

Submissions (2):

Myriad Genetics, Inc.
Classification: Pathogenic for Familial cancer of breast. Last evaluated: 2023-06-28. Review status: criteria provided, single submitter. Criteria: Myriad Autosomal Dominant, Autosomal Recessive and X-Linked Classification Criteria (2023). Collection method: clinical testing. Allele origin: unknown.
Comment: This variant is considered pathogenic. This variant creates a frameshift predicted to result in premature protein truncation.

Labcorp Genetics (formerly Invitae), Labcorp
Classification: Pathogenic for Familial cancer of breast. Last evaluated: 2019-11-09. Review status: criteria provided, single submitter. Criteria: Invitae Variant Classification Sherloc (09022015). Collection method: clinical testing. Allele origin: germline.
Comment: This variant is not present in population databases (ExAC no frequency). This sequence change creates a premature translational stop signal (p.Val399Cysfs*9) in the CHEK2 gene. It is expected to result in an absent or disrupted protein product. This variant has not been reported in the literature in individuals with CHEK2-related conditions. ClinVar contains an entry for this variant (Variation ID: 576960). For these reasons, this variant has been classified as Pathogenic. Loss-of-function variants in CHEK2 are known to be pathogenic (PMID: 21876083, 24713400).

Literature cited by the submitters: PubMed 21876083 (cited by Labcorp Genetics (formerly Invitae), Labcorp); PubMed 24713400 (cited by Labcorp Genetics (formerly Invitae), Labcorp).

NM_007194.4(CHEK2):c.1188_1194dup (p.Val399fs)

Gene: CHEK2 (checkpoint kinase 2; minus strand). Cytogenetic location: 22q12.1.
Variant type: Duplication.
Coding change: c.1188_1194dup on transcript NM_007194.4 (MANE Select); coding-DNA positions 1188 to 1194, 7 bases duplicated (TGTTTCT; older notation c.1188_1194dupTGTTTCT).
Protein change: p.Val399fs; shifts the reading frame from valine 399.
Molecular consequence: frameshift variant.
Genome position (GRCh38, 1-based): chr22:28,695,775-28,695,781, AGAAACA duplicated on the plus strand (TGTTTCT on the coding strand, the reverse complement: CHEK2 is on the minus strand); duplicating any 7 consecutive bases within chr22:28,695,775-28,695,785 gives the same sequence; the c. name uses the placement nearest the transcript's 3' end. VCF-style (leftmost placement, unchanged base first): chr22-28695774-C-CAGAAACA. GRCh37 (hg19) VCF-style: chr22-29091762-C-CAGAAACA.
Other names: c.1313_1319dup, p.Val442Cysfs (NM_001005735.3); c.521_527dup, p.Val178Cysfs (NM_001257387.3); c.983_989dup, p.Val332Cysfs (NM_001349956.3); c.1097_1103dup, p.Val370Cysfs (NM_145862.3); short protein forms V332fs, V370fs, V399fs, V442fs, V178fs.
Identifiers: ClinVar variation 576960 (VCV000576960.11), dbSNP rs1569113653, ClinGen allele CA891844287.